The following is an entry in ClinVar:

NC_000014.8:g.(?_75483779)_(75516364_?)dup

Gene: MLH3 (mutL homolog 3; minus strand). Cytogenetic location: 14q24.3.
Variant type: Duplication.
Identifiers: ClinVar variation 2423549 (VCV002423549.3).

ClinVar aggregate classification (germline): Uncertain significance (1 of 4 stars; one submission).

Conditions:
Colorectal cancer, hereditary nonpolyposis, type 7. Identifiers: Orphanet 144, MedGen C1858380, MONDO:0013725, OMIM 614385.

Submission:

Labcorp Genetics (formerly Invitae), Labcorp
Classification: Uncertain significance for Colorectal cancer, hereditary nonpolyposis, type 7. Last evaluated: 2022-02-23. Review status: criteria provided, single submitter. Criteria: Invitae Variant Classification Sherloc (09022015). Collection method: clinical testing. Allele origin: germline.
Comment: A copy number gain of the genomic region encompassing the full coding sequence of the MLH3 gene has been identified. The boundaries of this event are unknown as they extend beyond the assayed region for this gene and therefore may encompass additional genes. As the precise location of this event is unknown, it may be in tandem or it may be located elsewhere in the genome. This variant has not been reported in the literature in individuals affected with MLH3-related conditions. In summary, the available evidence is currently insufficient to determine the role of this variant in disease. Therefore, it has been classified as a Variant of Uncertain Significance.